The following is an entry in ClinVar:

ClinVar aggregate classification (germline): Uncertain significance (1 of 4 stars; one submission).

Conditions:
Familial focal epilepsy with variable foci (FPEVF). Identifiers: Orphanet 98820, MedGen C1858477, MONDO:0020310.

Submission:

Labcorp Genetics (formerly Invitae), Labcorp
Classification: Uncertain significance for Familial focal epilepsy with variable foci. Last evaluated: 2022-01-22. Review status: criteria provided, single submitter. Criteria: Invitae Variant Classification Sherloc (09022015). Collection method: clinical testing. Allele origin: germline.
Comment: In summary, the available evidence is currently insufficient to determine the role of this variant in disease. Therefore, it has been classified as a Variant of Uncertain Significance. Algorithms developed to predict the effect of sequence changes on RNA splicing suggest that this variant may create or strengthen a splice site. Algorithms developed to predict the effect of missense changes on protein structure and function output the following: SIFT: "Tolerated"; PolyPhen-2: "Not Available"; Align-GVGD: "Class C0". The valine amino acid residue is found in multiple mammalian species, which suggests that this missense change does not adversely affect protein function. This variant has not been reported in the literature in individuals affected with DEPDC5-related conditions. This variant is not present in population databases (gnomAD no frequency). This sequence change replaces isoleucine, which is neutral and non-polar, with valine, which is neutral and non-polar, at codon 237 of the DEPDC5 protein (p.Ile237Val).

NM_001242896.3(DEPDC5):c.709A>G (p.Ile237Val)

Gene: DEPDC5 (DEP domain containing 5, GATOR1 subcomplex subunit; plus strand). Cytogenetic location: 22q12.2.
Variant type: single nucleotide variant.
Coding change: c.709A>G on transcript NM_001242896.3 (MANE Select); coding-DNA position 709, A replaced by G.
Protein change: p.Ile237Val; replaces isoleucine 237 with valine.
Molecular consequence: missense variant. On other transcripts: non-coding transcript variant (5).
Genome position (GRCh38, 1-based): chr22:31,792,759, A>G. VCF-style: chr22-31792759-A-G. GRCh37 (hg19) VCF-style: chr22-32188745-A-G.
Other names: c.709A>G, p.Ile237Val (NM_001007188.4, NM_001136029.4, NM_001242897.2 and 7 more transcripts); c.625A>G, p.Ile209Val (NM_001369901.1, NM_001369902.1); short protein forms I209V, I237V.
Identifiers: ClinVar variation 1990741 (VCV001990741.4), dbSNP rs2518621232, ClinGen allele CA411288925.